The following is an entry in ClinVar:

ClinVar aggregate classification (germline): Uncertain significance. Review status: criteria provided, multiple submitters, no conflicts (2 of 4 stars). 5 submissions from 5 submitters: Uncertain significance (5). Last evaluated 2025-08-14.

Conditions:
BBS1-related ciliopathy. Identifiers: MedGen CN378629, MONDO:1040043.
BBS1-related disorder. Also called: BBS1-related condition.
Inborn genetic diseases. Identifiers: MedGen C0950123, MeSH D030342.
Bardet-Biedl syndrome (BBS). Identifiers: Orphanet 110, MedGen C0752166, MONDO:0015229.

Allele frequency attached by ClinVar (database versions not stated): ExAC 0.00011; gnomAD 0.00002; gnomAD exomes 0.00003; TOPMed 0.00006.
gnomAD v4.1: 45 of 1,613,584 alleles (0.0028%); highest among the groups gnomAD compares: Non-Finnish European, 0.0036%; no homozygotes.

Submissions (5):

Ambry Genetics
Classification: Uncertain significance for Inborn genetic diseases. Last evaluated: 2025-08-14. Review status: criteria provided, single submitter. Criteria: Ambry Variant Classification Scheme 2023. Collection method: clinical testing. Allele origin: germline.

PreventionGenetics, part of Exact Sciences
Classification: Uncertain significance for BBS1-related condition. Last evaluated: 2023-06-01. Review status: criteria provided, single submitter. Criteria: ACMG Guidelines, 2015. Collection method: clinical testing. Allele origin: germline.
Comment: The BBS1 c.1033G>T variant is predicted to result in the amino acid substitution p.Ala345Ser. To our knowledge, this variant has not been reported in the literature. This variant is reported in 0.013% of alleles in individuals of European (Non-Finnish) descent in gnomAD. At this time, the clinical significance of this variant is uncertain due to the absence of conclusive functional and genetic evidence.

Blueprint Genetics
Classification: Uncertain significance. Last evaluated: 2023-02-28. Review status: criteria provided, single submitter. Criteria: ACMG Guidelines, 2015. Collection method: clinical testing. Allele origin: germline.

Labcorp Genetics (formerly Invitae), Labcorp
Classification: Uncertain significance for Bardet-Biedl syndrome. Last evaluated: 2022-08-10. Review status: criteria provided, single submitter. Criteria: Invitae Variant Classification Sherloc (09022015). Collection method: clinical testing. Allele origin: germline.
Comment: This sequence change replaces alanine, which is neutral and non-polar, with serine, which is neutral and polar, at codon 345 of the BBS1 protein (p.Ala345Ser). This variant is present in population databases (rs755994026, gnomAD 0.01%). This variant has not been reported in the literature in individuals affected with BBS1-related conditions. Algorithms developed to predict the effect of missense changes on protein structure and function are either unavailable or do not agree on the potential impact of this missense change (SIFT: "Tolerated"; PolyPhen-2: "Possibly Damaging"; Align-GVGD: "Class C15"). In summary, the available evidence is currently insufficient to determine the role of this variant in disease. Therefore, it has been classified as a Variant of Uncertain Significance.

Department of Pathology and Laboratory Medicine, Sinai Health System
Classification: Uncertain significance for BBS1-related ciliopathy. Last evaluated: 2020-07-10. Review status: criteria provided, single submitter. Criteria: ACMG Guidelines, 2015. Collection method: research. Allele origin: germline.

NM_024649.5(BBS1):c.1033G>T (p.Ala345Ser)

Genes: BBS1 (Bardet-Biedl syndrome 1; plus strand), ZDHHC24 (zDHHC palmitoyltransferase 24; minus strand). Cytogenetic location: 11q13.2.
Variant type: single nucleotide variant.
Coding change: c.1033G>T on transcript NM_024649.5 (MANE Select); coding-DNA position 1033, G replaced by T.
Protein change: p.Ala345Ser; replaces alanine 345 with serine.
Molecular consequence: missense variant. On other transcripts: intron variant (1).
Genome position (GRCh38, 1-based): chr11:66,523,805, G>T. VCF-style: chr11-66523805-G-T. GRCh37 (hg19) VCF-style: chr11-66291276-G-T.
Other names: c.*22-2339C>A (NM_001348571.2); short protein forms A345S.
Identifiers: ClinVar variation 2076488 (VCV002076488.5), dbSNP rs755994026, ClinGen allele CA6123592.
Genomic context (GRCh38, chr11:66,523,805, plus strand): 5'-CAGATGCCCGCAGCCATCCTGACCATGAACCTCCTGGAGCAGCATTCCCGGGGCCTGCAG[G>T]CCGTCATGGCTGGGCTGGCCAATGGAGAGGTCCGCATTTATCGTGACAAGGCCCTGCTCA-3'
Protein context (NP_078925.3, residues 335-355): LLEQHSRGLQ[Ala345Ser]VMAGLANGEV